The following is an entry in ClinVar:

ClinVar aggregate classification (germline): Pathogenic/Likely pathogenic. Review status: criteria provided, multiple submitters, no conflicts (2 of 4 stars). 9 submissions from 9 submitters: Pathogenic (7); Likely pathogenic (1). 1 of the submissions does not count toward it. Last evaluated 2025-12-23.

Conditions:
Infantile hypophosphatasia. Identifiers: Orphanet 247651, Orphanet 436, MedGen C0268412, MONDO:1010169, OMIM 241500, MONDO:0009427.
Childhood hypophosphatasia. Identifiers: Orphanet 247667, Orphanet 436, MedGen C0220743, MONDO:1010168, OMIM 241510, MONDO:0009428.
Hypophosphatasia. Also called: Phosphoethanol-aminuria. Identifiers: Orphanet 436, MedGen C0020630, MeSH D007014, MONDO:0018570.
ALPL-related disorder. Also called: ALPL-related disorders; ALPL-related condition.
Hypophosphataemia or rickets.
Adult hypophosphatasia. Identifiers: Orphanet 247676, Orphanet 436, MedGen C0268413, MONDO:1010154, OMIM 146300, MONDO:0007798.

Allele frequency attached by ClinVar (database versions not stated): TOPMed 0.00001.
gnomAD v4.1: 4 of 1,613,930 alleles (0.00025%); highest among the groups gnomAD compares: Admixed American, 0.0017%; no homozygotes.

Submissions (9):

Labcorp Genetics (formerly Invitae), Labcorp
Classification: Pathogenic. Last evaluated: 2025-12-23. Review status: criteria provided, single submitter. Criteria: Invitae Variant Classification Sherloc (09022015). Collection method: clinical testing. Allele origin: germline.
Comment: This sequence change replaces arginine, which is basic and polar, with cysteine, which is neutral and slightly polar, at codon 136 of the ALPL protein (p.Arg136Cys). This variant is present in population databases (rs747762186, gnomAD 0.003%). This missense change has been observed in individual(s) with hypophosphatasia (PMID: 29724887, 30979366; internal data). In at least one individual the data is consistent with being in trans (on the opposite chromosome) from a pathogenic variant. ClinVar contains an entry for this variant (Variation ID: 964572). Invitae Evidence Modeling of protein sequence and biophysical properties (such as structural, functional, and spatial information, amino acid conservation, physicochemical variation, residue mobility, and thermodynamic stability) indicates that this missense variant is expected to disrupt ALPL protein function with a positive predictive value of 95%. This variant disrupts the p.Arg136 amino acid residue in ALPL. Other variant(s) that disrupt this residue have been determined to be pathogenic (PMID: 10094560, 11855933, 19500388). This suggests that this residue is clinically significant, and that variants that disrupt this residue are likely to be disease-causing. For these reasons, this variant has been classified as Pathogenic.

Genomenon, Inc
Classification: Pathogenic for Hypophosphatasia. Last evaluated: 2025-08-29. Review status: criteria provided, single submitter. Criteria: Genomenon Sequence Variant Interpretation Standards. Collection method: curation. Allele origin: germline. Affected: yes.
Comment: ALPL c.406C>T is a missense variant that changes the amino acid at residue 136 from Arginine to Cysteine. This variant has been observed in at least one proband affected with hypophosphatasia (PMID:29236161;28547134;29709501;34712267;30979366;33391183;29724887;28374482;33827627). The variant was found to segregate with disease in at least one affected family (PMID:34712267). At least one functional study has demonstrated a substantial alteration in protein function relative to the wild-type (PMID:32160374). This variant is also reported as p.Arg116Cys in the literature. It is absent or not present at a significant frequency in gnomAD. In silico models agree that this variant is possibly or probably damaging. In conclusion, we classify ALPL p.Arg136Cys (c.406C>T) as a pathogenic variant.

Natera, Inc.
Classification: Pathogenic for Hypophosphatasia. Last evaluated: 2025-06-19. Review status: criteria provided, single submitter. Criteria: Natera Variant Classification Schema (03/2026). Collection method: clinical testing. Allele origin: germline.
Comment: The c.406C>T variant in ALPL is a missense variant predicted to cause substitution of arginine to cysteine at amino acid 136. This variant is rare in the general population with a frequency below the threshold expected for the associated phenotype(s). This variant has been observed in one or more individuals affected with the associated recessive disease, as either homozygous or compound heterozygous with a second variant (PMID: 33827627, 33391183). Given the available evidence, this variant is classified as Pathogenic.

Cambridge Genomics Laboratory, East Genomic Laboratory Hub, NHS Genomic Medicine Service
Classification: Pathogenic for Hypophosphataemia or rickets. Last evaluated: 2024-02-28. Review status: criteria provided, single submitter. Criteria: ACGS Best Practice Guidelines for Variant Classification in Rare Disease 2020. Collection method: clinical testing. Allele origin: germline. Affected: yes.
Comment: The missense variant NM_000478.6(ALPL):c.406C>T (p.Arg136Cys) causes a change at the same amino acid residue as a previously established pathogenic variant. (PM5_Strong - Strong) | The p.Arg136Cys variant is observed in 1/34.574 (0.0029%) alleles from individuals of gnomAD Latino background in gnomAD All. The p.Arg136Cys variant is novel (not in any individuals) in 1kG All. The p.Arg136Cys variant is novel (not in any individuals) in gnomAD Genomes v3 All. (PM2 - Moderate) | 9 variants within 6 amino acid positions of the variant p.Arg136Cys have been shown to be pathogenic, while none have been shown to be benign. (PM1 - Moderate) | The p.Arg136Cys missense variant is predicted to be damaging by both SIFT and PolyPhen2. (PP3 - Supporting) | The variant is observed in trans (in a compound heterozygous state) with another pathogenic variant. (PM3_Strong - Strong) | The patient's phenotype or family history is highly specific for a disease with a single genetic etiology. (PP4 - Supporting)

Baylor Genetics
Classification: Pathogenic for Adult hypophosphatasia. Last evaluated: 2023-05-29. Review status: criteria provided, single submitter. Criteria: ACMG Guidelines, 2015. Collection method: clinical testing. Allele origin: unknown.

Women's Health and Genetics/Laboratory Corporation of America, LabCorp
Classification: Pathogenic for Hypophosphatasia. Last evaluated: 2023-05-15. Review status: criteria provided, single submitter. Criteria: LabCorp Variant Classification Summary - May 2015. Collection method: clinical testing. Allele origin: germline.
Comment: Variant summary: ALPL c.406C>T (p.Arg136Cys) results in a non-conservative amino acid change in the encoded protein sequence. Four of five in-silico tools predict a damaging effect of the variant on protein function. The variant allele was found at a frequency of 1.2e-05 in 250900 control chromosomes (gnomAD). c.406C>T has been reported in the literature in compound heterozygous (examples: Yu_2019, DelAngel_2020, and Zhang_2021) and heterozygous individuals affected with Hypophosphatasia (example: Taillandier_2017) and have shown both autosomal recessive and dominant inheritance. These data indicate that the variant is likely to be associated with disease. At least one publication reports experimental evidence evaluating an impact on protein function. The most pronounced variant effect results in <10% of normal activity (example: DelAngel_2020). Other variants affecting the same residue is associated with Hypophosphatasia (Taillandier_2017). The following publications have been ascertained in the context of this evaluation (PMID: 32160374, 29236161, 30979366, 34712267). Four clinical diagnostic laboratories have submitted clinical-significance assessments for this variant to ClinVar after 2014 and classified the variant as pathogenic/likely pathogenic (n=3) and VUS (n=1). Based on the evidence outlined above, the variant was classified as pathogenic.

MGZ Medical Genetics Center
Classification: Likely pathogenic for Childhood hypophosphatasia. Last evaluated: 2022-06-13. Review status: criteria provided, single submitter. Criteria: ACMG Guidelines, 2015. Collection method: clinical testing. Allele origin: germline. Affected: yes. Observed: 1 variant allele.
Comment: ACMG criteria applied: PM3, PM5, PS3_SUP, PS4_SUP, PM2_SUP, PP1, PP3

Blueprint Genetics
Classification: Pathogenic for ALPL-related disorders. Last evaluated: 2020-09-23. Review status: criteria provided, single submitter. Criteria: ACMG Guidelines, 2015. Collection method: clinical testing. Allele origin: germline. Affected: yes. Observed: 1 variant allele.

Center for Molecular Medicine, Children’s Hospital of Fudan University
Classification: Likely pathogenic for Infantile hypophosphatasia. Last evaluated: 2020-07-07. Review status: no assertion criteria provided. Collection method: clinical testing. Allele origin: paternal. Affected: yes. Not counted in ClinVar's aggregate classification.

Literature cited by the submitters: PubMed 29724887 (cited by Labcorp Genetics (formerly Invitae), Labcorp and Genomenon, Inc); PubMed 30979366 (cited by 3 submitters); PubMed 10094560 (cited by Labcorp Genetics (formerly Invitae), Labcorp); PubMed 11855933 (cited by Labcorp Genetics (formerly Invitae), Labcorp); PubMed 19500388 (cited by Labcorp Genetics (formerly Invitae), Labcorp); PubMed 29236161 (cited by Genomenon, Inc and Women's Health and Genetics/Laboratory Corporation of America, LabCorp); PubMed 28547134 (cited by Genomenon, Inc); PubMed 29709501 (cited by Genomenon, Inc); PubMed 34712267 (cited by Genomenon, Inc and Women's Health and Genetics/Laboratory Corporation of America, LabCorp); PubMed 33391183 (cited by Genomenon, Inc and Natera, Inc.); PubMed 28374482 (cited by Genomenon, Inc); PubMed 33827627 (cited by Genomenon, Inc and Natera, Inc.); PubMed 32160374 (cited by Genomenon, Inc and Women's Health and Genetics/Laboratory Corporation of America, LabCorp).

NM_000478.6(ALPL):c.406C>T (p.Arg136Cys)

Gene: ALPL (alkaline phosphatase, biomineralization associated; plus strand). Cytogenetic location: 1p36.12.
Variant type: single nucleotide variant.
Coding change: c.406C>T on transcript NM_000478.6 (MANE Select); coding-DNA position 406, C replaced by T.
Protein change: p.Arg136Cys; replaces arginine 136 with cysteine.
Molecular consequence: missense variant.
Genome position (GRCh38, 1-based): chr1:21,563,218, C>T. VCF-style: chr1-21563218-C-T. GRCh37 (hg19) VCF-style: chr1-21889711-C-T.
Other names: c.241C>T, p.Arg81Cys (NM_001127501.4); c.175C>T, p.Arg59Cys (NM_001177520.3); c.406C>T, p.Arg136Cys (NM_001369803.2, NM_001369804.2, NM_001369805.2); short protein forms R81C, R59C, R136C.
Identifiers: ClinVar variation 964572 (VCV000964572.22), dbSNP rs747762186, ClinGen allele CA666477.